The following is an entry in ClinVar:

NM_002474.3(MYH11):c.2541G>A (p.Val847=)

Gene: MYH11 (myosin heavy chain 11; minus strand). Cytogenetic location: 16p13.11.
Variant type: single nucleotide variant.
Coding change: c.2541G>A on transcript NM_002474.3 (MANE Select); coding-DNA position 2541, G replaced by A.
Protein change: p.Val847=; no amino-acid change (valine 847 retained).
Molecular consequence: synonymous variant.
Genome position (GRCh38, 1-based): chr16:15,741,871, C>T on the plus strand (G>A on the coding strand, the complement: MYH11 is on the minus strand). VCF-style: chr16-15741871-C-T. GRCh37 (hg19) VCF-style: chr16-15835728-C-T.
Other names: c.2562G>A, p.Val854= (NM_001040113.2, NM_001040114.2); c.2541G>A, p.Val847= (NM_022844.3).
Identifiers: ClinVar variation 238259 (VCV000238259.20), dbSNP rs373920725, ClinGen allele CA7922234.

ClinVar aggregate classification (germline): Benign/Likely benign. Review status: criteria provided, multiple submitters, no conflicts (2 of 4 stars). 8 submissions from 8 submitters: Benign (1); Likely benign (7). Last evaluated 2026-01-26.

Conditions:
Familial thoracic aortic aneurysm and aortic dissection (TAAD). Also called: Thoracic aortic aneurysms and dissections. Identifiers: Orphanet 91387, MedGen C4707243, MONDO:0019625.
Aortic aneurysm, familial thoracic 4 (AAT4). Also called: AORTIC ANEURYSM/AORTIC DISSECTION AND PATENT DUCTUS ARTERIOSUS. Identifiers: MedGen C1851504, MONDO:0007568, OMIM 132900.

Allele frequency attached by ClinVar (database versions not stated): ExAC 0.00003; ESP Exome Variant Server 0.00008; gnomAD exomes 0.00009 and 0.00025; gnomAD 0.00015 and 0.00016; TOPMed 0.00017.
gnomAD v4.1: 407 of 1,614,118 alleles (0.025%); highest among the groups gnomAD compares: Non-Finnish European, 0.032%; no homozygotes.

Submissions (8):

Labcorp Genetics (formerly Invitae), Labcorp
Classification: Likely benign for Aortic aneurysm, familial thoracic 4. Last evaluated: 2026-01-26. Review status: criteria provided, single submitter. Criteria: Invitae Variant Classification Sherloc (09022015). Collection method: clinical testing. Allele origin: germline.

Blueprint Genetics
Classification: Likely benign. Last evaluated: 2024-08-16. Review status: criteria provided, single submitter. Criteria: ACMG Guidelines, 2015. Collection method: clinical testing. Allele origin: germline.

All of Us Research Program, National Institutes of Health
Classification: Likely benign for Familial thoracic aortic aneurysm and aortic dissection. Last evaluated: 2023-12-13. Review status: criteria provided, single submitter. Criteria: ACMG Guidelines, 2015. Collection method: clinical testing. Allele origin: germline. Inheritance: Autosomal dominant inheritance. Observed: 48 variant alleles, 48 heterozygotes.
Comment: This study involves interpretation of variants in research participants for the purpose of population health screening. Participant phenotype was not available at the time of variant classification. Additional details can be found in publication PMID: 35346344, PMCID: PMC8962531

CHEO Genetics Diagnostic Laboratory, Children's Hospital of Eastern Ontario
Classification: Likely benign for Familial thoracic aortic aneurysm and aortic dissection. Last evaluated: 2022-02-25. Review status: criteria provided, single submitter. Criteria: ACMG Guidelines, 2015. Collection method: clinical testing. Allele origin: germline.

Ambry Genetics
Classification: Likely benign for Familial thoracic aortic aneurysm and aortic dissection. Last evaluated: 2021-02-08. Review status: criteria provided, single submitter. Criteria: Ambry Variant Classification Scheme 2023. Collection method: clinical testing. Allele origin: germline.

Women's Health and Genetics/Laboratory Corporation of America, LabCorp
Classification: Benign. Last evaluated: 2020-03-10. Review status: criteria provided, single submitter. Criteria: LabCorp Variant Classification Summary - May 2015. Collection method: clinical testing. Allele origin: germline.

Color Diagnostics, LLC DBA Color Health
Classification: Likely benign for Familial thoracic aortic aneurysm and aortic dissection. Last evaluated: 2018-11-03. Review status: criteria provided, single submitter. Criteria: ACMG Guidelines, 2015. Collection method: clinical testing. Allele origin: germline.

GeneDx
Classification: Likely benign. Last evaluated: 2018-10-15. Review status: criteria provided, single submitter. Criteria: GeneDx Variant Classification Process June 2021. Collection method: clinical testing. Allele origin: germline. Affected: yes.